The following is an entry in ClinVar:

NM_001040108.2(MLH3):c.2491C>T (p.Pro831Ser)

Gene: MLH3 (mutL homolog 3; minus strand). Cytogenetic location: 14q24.3.
Variant type: single nucleotide variant.
Coding change: c.2491C>T on transcript NM_001040108.2 (MANE Select); coding-DNA position 2491, C replaced by T.
Protein change: p.Pro831Ser; replaces proline 831 with serine.
Molecular consequence: missense variant.
Genome position (GRCh38, 1-based): chr14:75,047,165, G>A on the plus strand (C>T on the coding strand, the complement: MLH3 is on the minus strand). VCF-style: chr14-75047165-G-A. GRCh37 (hg19) VCF-style: chr14-75513868-G-A.
Other names: c.2491C>T, p.Pro831Ser (NM_014381.3); c.2491C>T (NM_001040108.1); short protein forms P831S.
Identifiers: ClinVar variation 1026002 (VCV001026002.12), dbSNP rs1356949383, ClinGen allele CA390440197.

ClinVar aggregate classification (germline): Uncertain significance. Review status: criteria provided, multiple submitters, no conflicts (2 of 4 stars). 3 submissions from 3 submitters: Uncertain significance (3). Last evaluated 2025-11-13.

Conditions:
Endometrial carcinoma. Also called: Endometrial carcinoma, somatic. Identifiers: MedGen C0476089, MONDO:0002447, OMIM 608089, HP:0012114.
Colorectal cancer, hereditary nonpolyposis, type 7. Identifiers: Orphanet 144, MedGen C1858380, MONDO:0013725, OMIM 614385.
Colorectal cancer. Also called: Malignant Colorectal Neoplasm; Colorectal cancer, somatic. Identifiers: MedGen C0346629, MONDO:0005575, OMIM 114500.

Allele frequency attached by ClinVar (database versions not stated): gnomAD 0.00001; TOPMed 0.00002.

Submissions (3):

Ambry Genetics
Classification: Uncertain significance. Last evaluated: 2025-11-13. Review status: criteria provided, single submitter. Criteria: Ambry Variant Classification Scheme 2023. Collection method: clinical testing. Allele origin: germline.
Comment: The p.P831S variant (also known as c.2491C>T), located in coding exon 1 of the MLH3 gene, results from a C to T substitution at nucleotide position 2491. The proline at codon 831 is replaced by serine, an amino acid with similar properties. This amino acid position is conserved. In addition, this alteration is predicted to be tolerated by in silico analysis. Since supporting evidence is limited at this time, the clinical significance of this alteration remains unclear.

Fulgent Genetics
Classification: Uncertain significance for Colorectal cancer; Endometrial carcinoma; Colorectal cancer, hereditary nonpolyposis, type 7. Last evaluated: 2024-05-22. Review status: criteria provided, single submitter. Criteria: ACMG Guidelines, 2015. Collection method: clinical testing. Allele origin: germline.

Labcorp Genetics (formerly Invitae), Labcorp
Classification: Uncertain significance for Colorectal cancer, hereditary nonpolyposis, type 7. Last evaluated: 2020-10-20. Review status: criteria provided, single submitter. Criteria: Invitae Variant Classification Sherloc (09022015). Collection method: clinical testing. Allele origin: germline.
Comment: This sequence change replaces proline with serine at codon 831 of the MLH3 protein (p.Pro831Ser). The proline residue is weakly conserved and there is a moderate physicochemical difference between proline and serine. In summary, the available evidence is currently insufficient to determine the role of this variant in disease. Therefore, it has been classified as a Variant of Uncertain Significance. Algorithms developed to predict the effect of missense changes on protein structure and function output the following: SIFT: "Tolerated"; PolyPhen-2: "Benign"; Align-GVGD: "Class C0". The serine amino acid residue is found in multiple mammalian species, suggesting that this missense change does not adversely affect protein function. These predictions have not been confirmed by published functional studies and their clinical significance is uncertain. This variant has not been reported in the literature in individuals with MLH3-related conditions. This variant is not present in population databases (ExAC no frequency).